The following is an entry in ClinVar:

NM_002691.4(POLD1):c.859G>A (p.Glu287Lys)

Gene: POLD1 (DNA polymerase delta 1, catalytic subunit; plus strand). Cytogenetic location: 19q13.33.
Variant type: single nucleotide variant.
Coding change: c.859G>A on transcript NM_002691.4 (MANE Select); coding-DNA position 859, G replaced by A.
Protein change: p.Glu287Lys; replaces glutamic acid 287 with lysine.
Molecular consequence: missense variant. On other transcripts: non-coding transcript variant (1).
Genome position (GRCh38, 1-based): chr19:50,402,630, G>A. VCF-style: chr19-50402630-G-A. GRCh37 (hg19) VCF-style: chr19-50905887-G-A.
Other names: c.859G>A, p.Glu287Lys (NM_001256849.1, NM_001308632.1); short protein forms E287K.
Identifiers: ClinVar variation 567425 (VCV000567425.9), dbSNP rs1568621131, ClinGen allele CA406976733.

ClinVar aggregate classification (germline): Uncertain significance (1 of 4 stars; one submission).

Conditions:
POLD1-related polyposis and colorectal cancer syndrome (CRCS10). Also called: Colorectal cancer 10; COLORECTAL CANCER, SUSCEPTIBILITY TO, ON CHROMOSOME 19q; Colorectal cancer, susceptibility to, 10. Identifiers: Orphanet 220460, MedGen C2675481, MONDO:0012953, OMIM 612591.

Submission:

Labcorp Genetics (formerly Invitae), Labcorp
Classification: Uncertain significance for POLD1-related polyposis and colorectal cancer syndrome. Last evaluated: 2018-03-17. Review status: criteria provided, single submitter. Criteria: Invitae Variant Classification Sherloc (09022015). Collection method: clinical testing. Allele origin: germline.
Comment: In summary, the available evidence is currently insufficient to determine the role of this variant in disease. Therefore, it has been classified as a Variant of Uncertain Significance. Algorithms developed to predict the effect of missense changes on protein structure and function do not agree on the potential impact of this missense change (SIFT: "Deleterious"; PolyPhen-2: "Probably Damaging"; Align-GVGD: "Class C0"). This variant has not been reported in the literature in individuals with POLD1-related disease. This variant is not present in population databases (ExAC no frequency). This sequence change replaces glutamic acid with lysine at codon 287 of the POLD1 protein (p.Glu287Lys). The glutamic acid residue is highly conserved and there is a small physicochemical difference between glutamic acid and lysine.